The following is an entry in ClinVar:

ClinVar aggregate classification (germline): Uncertain significance (1 of 4 stars; one submission).

gnomAD v4.1: 3 of 1,551,778 alleles (0.00019%); highest among the groups gnomAD compares: South Asian, 0.0036%; no homozygotes.

Submission:

Laboratory for Molecular Medicine, Mass General Brigham Personalized Medicine
Classification: Uncertain significance. Last evaluated: 2014-12-30. Review status: criteria provided, single submitter. Criteria: LMM Criteria. Collection method: clinical testing. Allele origin: germline. Observed: 1 variant allele.
Comment: The p.Ala721Ser variant in RBM20 has not been previously reported in individuals with cardiomyopathy and was absent from large population studies. Computational prediction tools and conservation analysis suggest that this variant may not im pact the protein, though this information is not predictive enough to rule out p athogenicity. In summary, the clinical significance of the p.Ala721Ser variant i s uncertain.

NM_001134363.3(RBM20):c.2161G>T (p.Ala721Ser)

Gene: RBM20 (RNA binding motif protein 20; plus strand). Cytogenetic location: 10q25.2.
Variant type: single nucleotide variant.
Coding change: c.2161G>T on transcript NM_001134363.3 (MANE Select); coding-DNA position 2161, G replaced by T.
Protein change: p.Ala721Ser; replaces alanine 721 with serine.
Molecular consequence: missense variant.
Genome position (GRCh38, 1-based): chr10:110,812,558, G>T. VCF-style: chr10-110812558-G-T. GRCh37 (hg19) VCF-style: chr10-112572316-G-T.
Other names: short protein forms A721S.
Identifiers: ClinVar variation 229190 (VCV000229190.5), dbSNP rs876657976, ClinGen allele CA10576769.